The following is an entry in ClinVar:

ClinVar aggregate classification (germline): Benign (1 of 4 stars; one submission).

Allele frequency attached by ClinVar (database versions not stated): gnomAD 0.02286 and 0.02444; 1000 Genomes Project 0.02496; TOPMed 0.02685; 1000 Genomes Project 30x 0.02717.
gnomAD v4.1: 5,616 of 905,294 alleles (0.62%); highest among the groups gnomAD compares: African/African-American, 7.9%; 222 homozygotes.

Submission:

GeneDx
Classification: Benign. Last evaluated: 2018-06-14. Review status: criteria provided, single submitter. Criteria: GeneDx Variant Classification (06012015). Collection method: clinical testing. Allele origin: germline. Affected: yes.
Comment: This variant is considered likely benign or benign based on one or more of the following criteria: it is a conservative change, it occurs at a poorly conserved position in the protein, it is predicted to be benign by multiple in silico algorithms, and/or has population frequency not consistent with disease.

NM_001999.4(FBN2):c.5200+148A>G

Gene: FBN2 (fibrillin 2; minus strand). Cytogenetic location: 5q23.3.
Variant type: single nucleotide variant.
Coding change: c.5200+148A>G on transcript NM_001999.4 (MANE Select); 148 bases into the intron after coding-DNA position 5200, A replaced by G.
Molecular consequence: intron variant.
Genome position (GRCh38, 1-based): chr5:128,309,835, T>C on the plus strand (A>G on the coding strand, the complement: FBN2 is on the minus strand). VCF-style: chr5-128309835-T-C. GRCh37 (hg19) VCF-style: chr5-127645527-T-C.
Identifiers: ClinVar variation 675650 (VCV000675650.1), dbSNP rs76244360, ClinGen allele CA126987823.
Genomic context (GRCh38, chr5:128,309,835, plus strand): 5'-TTCTACATTAGACTCATGCTTTTAAAAATTTAAATGTATACCCAAAGGTCAAAAACTTGA[T>C]ACTAAGCCAGCAGCTTGCAAGACTCTGAAATATCTCAATTCACGAAGACTGAACTTCCAA-3'